The following is an entry in ClinVar:

NM_020158.4(EXOSC5):c.124G>C (p.Asp42His)

Gene: EXOSC5 (exosome component 5; minus strand). Cytogenetic location: 19q13.2.
Variant type: single nucleotide variant.
Coding change: c.124G>C on transcript NM_020158.4 (MANE Select); coding-DNA position 124, G replaced by C.
Protein change: p.Asp42His; replaces aspartic acid 42 with histidine.
Molecular consequence: missense variant.
Genome position (GRCh38, 1-based): chr19:41,397,205, C>G on the plus strand (G>C on the coding strand, the complement: EXOSC5 is on the minus strand). VCF-style: chr19-41397205-C-G. GRCh37 (hg19) VCF-style: chr19-41903110-C-G.
Other names: short protein forms D42H.
Identifiers: ClinVar variation 4855961 (VCV004855961.1).

ClinVar aggregate classification (germline): Uncertain significance (1 of 4 stars; one submission).

Conditions:
Cerebellar ataxia, brain abnormalities, and cardiac conduction defects. Identifiers: Orphanet 641361, MedGen C5562005, MONDO:0859200, OMIM 619576.

Submission:

3billion
Classification: Uncertain significance for Cerebellar ataxia, brain abnormalities, and cardiac conduction defects. Last evaluated: 2025-11-07. Review status: criteria provided, single submitter. Criteria: ACMG Guidelines, 2015. Collection method: clinical testing. Allele origin: germline. Affected: yes.
Comment: The variant is not observed in the gnomAD v4.1.0 dataset. Predicted Consequence/Location: Missense variant Damaging effect on gene or gene product predicted by in silico programs is uncertain [REVEL: 0.56 (damaging >=0.6, benign <0.4), 3Cnet: 0.29 (damaging >0.75, benign <0.1)]. Therefore, this variant is classified as VUS according to the recommendation of ACMG/AMP guideline.